The following is an entry in ClinVar:

ClinVar aggregate classification (germline): Uncertain significance (1 of 4 stars; one submission).

Conditions:
Joubert syndrome 15 (JBTS15). Identifiers: Orphanet 475, MedGen C3280897, MONDO:0013763, OMIM 614464.

Allele frequency attached by ClinVar (database versions not stated): gnomAD exomes below 0.00001.

Submission:

Labcorp Genetics (formerly Invitae), Labcorp
Classification: Uncertain significance for Joubert syndrome 15. Last evaluated: 2022-08-22. Review status: criteria provided, single submitter. Criteria: Invitae Variant Classification Sherloc (09022015). Collection method: clinical testing. Allele origin: germline.
Comment: In summary, the available evidence is currently insufficient to determine the role of this variant in disease. Therefore, it has been classified as a Variant of Uncertain Significance. Algorithms developed to predict the effect of sequence changes on RNA splicing suggest that this variant may disrupt the consensus splice site. Algorithms developed to predict the effect of missense changes on protein structure and function are either unavailable or do not agree on the potential impact of this missense change (SIFT: "Deleterious"; PolyPhen-2: "Benign"; Align-GVGD: "Class C25"). ClinVar contains an entry for this variant (Variation ID: 1041588). This variant has not been reported in the literature in individuals affected with CEP41-related conditions. This variant is not present in population databases (gnomAD no frequency). This sequence change replaces isoleucine, which is neutral and non-polar, with valine, which is neutral and non-polar, at codon 310 of the CEP41 protein (p.Ile310Val).

NM_018718.3(CEP41):c.928A>G (p.Ile310Val)

Gene: CEP41 (centrosomal protein 41; minus strand). Cytogenetic location: 7q32.2.
Variant type: single nucleotide variant.
Coding change: c.928A>G on transcript NM_018718.3 (MANE Select); coding-DNA position 928, A replaced by G.
Protein change: p.Ile310Val; replaces isoleucine 310 with valine.
Molecular consequence: missense variant. On other transcripts: non-coding transcript variant (1), intron variant (2).
Genome position (GRCh38, 1-based): chr7:130,400,084, T>C on the plus strand (A>G on the coding strand, the complement: CEP41 is on the minus strand). VCF-style: chr7-130400084-T-C. GRCh37 (hg19) VCF-style: chr7-130039925-T-C.
Other names: c.709+623A>G (NM_001257159.2); c.757+623A>G (NM_001257158.2); short protein forms I310V.
Identifiers: ClinVar variation 1041588 (VCV001041588.8), dbSNP rs1308536722, ClinGen allele CA369286993.